The following is an entry in ClinVar:

NM_000540.3(RYR1):c.6752T>C (p.Phe2251Ser)

Gene: RYR1 (ryanodine receptor 1; plus strand). Cytogenetic location: 19q13.2.
Variant type: single nucleotide variant.
Coding change: c.6752T>C on transcript NM_000540.3 (MANE Select); coding-DNA position 6752, T replaced by C.
Protein change: p.Phe2251Ser; replaces phenylalanine 2251 with serine.
Molecular consequence: missense variant.
Genome position (GRCh38, 1-based): chr19:38,496,497, T>C. VCF-style: chr19-38496497-T-C. GRCh37 (hg19) VCF-style: chr19-38987137-T-C.
Other names: c.6752T>C, p.Phe2251Ser (NM_001042723.2); short protein forms F2251S.
Identifiers: ClinVar variation 641203 (VCV000641203.8), dbSNP rs1600809003, ClinGen allele CA405666346.

ClinVar aggregate classification (germline): Uncertain significance (1 of 4 stars; one submission).

Conditions:
RYR1-related disorder. Also called: RYR1-related disorders; RYR1-related condition. Identifiers: MedGen CN239331.

Submission:

Labcorp Genetics (formerly Invitae), Labcorp
Classification: Uncertain significance for RYR1-related disorder. Last evaluated: 2018-12-25. Review status: criteria provided, single submitter. Criteria: Invitae Variant Classification Sherloc (09022015). Collection method: clinical testing. Allele origin: germline.
Comment: In summary, the available evidence is currently insufficient to determine the role of this variant in disease. Therefore, it has been classified as a Variant of Uncertain Significance. Algorithms developed to predict the effect of missense changes on protein structure and function are either unavailable or do not agree on the potential impact of this missense change (SIFT: "Deleterious"; PolyPhen-2: "Benign"; Align-GVGD: "Class C0"). This variant has not been reported in the literature in individuals with RYR1-related conditions. This variant is not present in population databases (ExAC no frequency). This sequence change replaces phenylalanine with serine at codon 2251 of the RYR1 protein (p.Phe2251Ser). The phenylalanine residue is highly conserved and there is a large physicochemical difference between phenylalanine and serine.